The following is an entry in ClinVar:

ClinVar aggregate classification (germline): Uncertain significance (1 of 4 stars; one submission).

Submission:

Ambry Genetics
Classification: Uncertain significance. Last evaluated: 2023-08-25. Review status: criteria provided, single submitter. Criteria: Ambry Variant Classification Scheme 2023. Collection method: clinical testing. Allele origin: germline.
Comment: The p.I211T variant (also known as c.632T>C), located in coding exon 7 of the RAD54L gene, results from a T to C substitution at nucleotide position 632. The isoleucine at codon 211 is replaced by threonine, an amino acid with similar properties. This amino acid position is conserved. In addition, this alteration is predicted to be deleterious by in silico analysis. Since supporting evidence is limited at this time, the clinical significance of this alteration remains unclear.

NM_003579.4(RAD54L):c.632T>C (p.Ile211Thr)

Gene: RAD54L (RAD54 like; plus strand). Cytogenetic location: 1p34.1.
Variant type: single nucleotide variant.
Coding change: c.632T>C on transcript NM_003579.4 (MANE Select); coding-DNA position 632, T replaced by C.
Protein change: p.Ile211Thr; replaces isoleucine 211 with threonine.
Molecular consequence: missense variant.
Genome position (GRCh38, 1-based): chr1:46,260,881, T>C. VCF-style: chr1-46260881-T-C. GRCh37 (hg19) VCF-style: chr1-46726553-T-C.
Other names: c.632T>C, p.Ile211Thr (NM_001142548.2); c.92T>C, p.Ile31Thr (NM_001370766.1); short protein forms I211T, I31T.
Identifiers: ClinVar variation 2595337 (VCV002595337.2), dbSNP rs1258400090, ClinGen allele CA340186785.